The following is an entry in ClinVar:

ClinVar aggregate classification (germline): Uncertain significance (1 of 4 stars; one submission).

Submission:

Labcorp Genetics (formerly Invitae), Labcorp
Classification: Uncertain significance. Last evaluated: 2025-02-02. Review status: criteria provided, single submitter. Criteria: Invitae Variant Classification Sherloc (09022015). Collection method: clinical testing. Allele origin: germline.
Comment: This sequence change replaces asparagine, which is neutral and polar, with lysine, which is basic and polar, at codon 2793 of the HMCN1 protein (p.Asn2793Lys). This variant is not present in population databases (gnomAD no frequency). This variant has not been reported in the literature in individuals affected with HMCN1-related conditions. An algorithm developed to predict the effect of missense changes on protein structure and function (PolyPhen-2) suggests that this variant is likely to be disruptive. In summary, the available evidence is currently insufficient to determine the role of this variant in disease. Therefore, it has been classified as a Variant of Uncertain Significance.

NM_031935.3(HMCN1):c.8379T>G (p.Asn2793Lys)

Gene: HMCN1 (hemicentin 1; plus strand). Cytogenetic location: 1q31.1.
Variant type: single nucleotide variant.
Coding change: c.8379T>G on transcript NM_031935.3 (MANE Select); coding-DNA position 8379, T replaced by G.
Protein change: p.Asn2793Lys; replaces asparagine 2793 with lysine.
Molecular consequence: missense variant.
Genome position (GRCh38, 1-based): chr1:186,076,516, T>G. VCF-style: chr1-186076516-T-G. GRCh37 (hg19) VCF-style: chr1-186045648-T-G.
Other names: short protein forms N2793K.
Identifiers: ClinVar variation 3619463 (VCV003619463.2).
Genomic context (GRCh38, chr1:186,076,516, plus strand): 5'-AATAGGAAACATGCTAGATACTGGCAGGAATGGTGAAGCCAAAGATGTGATCATCAACAA[T>G]CCCATTTCTCTTTACTGTGAGACAAATGCTGCTCCCCCTCCTACACTGACATGGTACAAA-3'
Protein context (NP_114141.2, residues 2783-2803): NGEAKDVIIN[Asn2793Lys]PISLYCETNA